The following is an entry in ClinVar:

ClinVar aggregate classification (germline): Uncertain significance (1 of 4 stars; one submission).

Submission:

Labcorp Genetics (formerly Invitae), Labcorp
Classification: Uncertain significance. Last evaluated: 2023-08-28. Review status: criteria provided, single submitter. Criteria: Invitae Variant Classification Sherloc (09022015). Collection method: clinical testing. Allele origin: germline.
Comment: This sequence change replaces proline, which is neutral and non-polar, with threonine, which is neutral and polar, at codon 668 of the KMT2B protein (p.Pro668Thr). This variant is not present in population databases (gnomAD no frequency). In summary, the available evidence is currently insufficient to determine the role of this variant in disease. Therefore, it has been classified as a Variant of Uncertain Significance. Advanced modeling of protein sequence and biophysical properties (such as structural, functional, and spatial information, amino acid conservation, physicochemical variation, residue mobility, and thermodynamic stability) performed at Invitae indicates that this missense variant is not expected to disrupt KMT2B protein function. This variant has not been reported in the literature in individuals affected with KMT2B-related conditions.

NM_014727.3(KMT2B):c.2002C>A (p.Pro668Thr)

Gene: KMT2B (lysine methyltransferase 2B; plus strand). Cytogenetic location: 19q13.12.
Variant type: single nucleotide variant.
Coding change: c.2002C>A on transcript NM_014727.3 (MANE Select); coding-DNA position 2002, C replaced by A.
Protein change: p.Pro668Thr; replaces proline 668 with threonine.
Molecular consequence: missense variant.
Genome position (GRCh38, 1-based): chr19:35,721,349, C>A. VCF-style: chr19-35721349-C-A. GRCh37 (hg19) VCF-style: chr19-36212251-C-A.
Other names: short protein forms P668T.
Identifiers: ClinVar variation 2967770 (VCV002967770.3), dbSNP rs1250224409, ClinGen allele CA405395164.